The following is an entry in ClinVar:

ClinVar aggregate classification (germline): Uncertain significance (1 of 4 stars; one submission).

Submission:

GeneDx
Classification: Uncertain significance. Last evaluated: 2025-06-25. Review status: criteria provided, single submitter. Criteria: GeneDx Variant Classification Process June 2021. Collection method: clinical testing. Allele origin: germline. Affected: yes.
Comment: Not observed at significant frequency in large population cohorts (gnomAD); In silico analysis supports that this missense variant has a deleterious effect on protein structure/function; Has not been previously published as pathogenic or benign to our knowledge

NM_006565.4(CTCF):c.922C>T (p.Leu308Phe)

Gene: CTCF (CCCTC-binding factor; plus strand). Cytogenetic location: 16q22.1.
Variant type: single nucleotide variant.
Coding change: c.922C>T on transcript NM_006565.4 (MANE Select); coding-DNA position 922, C replaced by T.
Protein change: p.Leu308Phe; replaces leucine 308 with phenylalanine.
Molecular consequence: missense variant. On other transcripts: intron variant (1).
Genome position (GRCh38, 1-based): chr16:67,612,091, C>T. VCF-style: chr16-67612091-C-T. GRCh37 (hg19) VCF-style: chr16-67645994-C-T.
Other names: c.922C>T, p.Leu308Phe (NM_001363916.2, NM_001438968.1, NM_001438969.1); c.-32-4654C>T (NM_001191022.2); short protein forms L308F.
Identifiers: ClinVar variation 4539862 (VCV004539862.1).